The following is an entry in ClinVar:

ClinVar aggregate classification (germline): Likely pathogenic. Review status: criteria provided, multiple submitters, no conflicts (2 of 4 stars). 2 submissions from 2 submitters: Likely pathogenic (2). Last evaluated 2024-06-07.

Conditions:
Bardet-Biedl syndrome 9 (BBS9). Identifiers: Orphanet 110, MedGen C1859567, MONDO:0014437, OMIM 615986.
Bardet-Biedl syndrome (BBS). Identifiers: Orphanet 110, MedGen C0752166, MONDO:0015229.

Allele frequency attached by ClinVar (database versions not stated): gnomAD exomes below 0.00001.
gnomAD v4.1: 2 of 1,612,156 alleles (0.00012%); highest among the groups gnomAD compares: Non-Finnish European, 0.00017%; no homozygotes.

Submissions (2):

Fulgent Genetics
Classification: Likely pathogenic for Bardet-Biedl syndrome 9. Last evaluated: 2024-06-07. Review status: criteria provided, single submitter. Criteria: ACMG Guidelines, 2015. Collection method: clinical testing. Allele origin: germline.

Labcorp Genetics (formerly Invitae), Labcorp
Classification: Likely pathogenic for Bardet-Biedl syndrome. Last evaluated: 2018-02-15. Review status: criteria provided, single submitter. Criteria: Invitae Variant Classification Sherloc (09022015). Collection method: clinical testing. Allele origin: germline.
Comment: This sequence change affects a donor splice site in intron 15 of the BBS9 gene. It is expected to disrupt RNA splicing and likely results in an absent or disrupted protein product. This variant is not present in population databases (ExAC no frequency). This variant has not been reported in the literature in individuals with BBS9-related disease. Algorithms developed to predict the effect of sequence changes on RNA splicing suggest that this variant may disrupt the consensus splice site, but this prediction has not been confirmed by published transcriptional studies. Donor and acceptor splice site variants typically lead to a loss of protein function (PMID: 16199547), and loss-of-function variants in BBS9 are known to be pathogenic (PMID: 16380913). In summary, the currently available evidence indicates that the variant is pathogenic, but additional data are needed to prove that conclusively. Therefore, this variant has been classified as Likely Pathogenic.

Literature cited by the submitters: PubMed 16380913 (cited by Labcorp Genetics (formerly Invitae), Labcorp).

NM_198428.3(BBS9):c.1552+2T>A

Gene: BBS9 (Bardet-Biedl syndrome 9; plus strand). Cytogenetic location: 7p14.3.
Variant type: single nucleotide variant.
Coding change: c.1552+2T>A on transcript NM_198428.3 (MANE Select); the canonical splice donor site of the intron after coding-DNA position 1552, T replaced by A.
Molecular consequence: splice donor variant. On other transcripts: intron variant (3).
Genome position (GRCh38, 1-based): chr7:33,352,875, T>A. VCF-style: chr7-33352875-T-A. GRCh37 (hg19) VCF-style: chr7-33392487-T-A.
Other names: c.1552+2T>A (NM_001348036.1, NM_001362679.1, NM_001348041.4 and 1 more transcripts); c.1279+2T>A (NM_001348038.3); c.1174+2T>A (NM_001348039.3); c.1537+1552T>A (NM_001033605.2); c.1447+2T>A (NM_001033604.2); c.1432+3705T>A (NM_014451.4, NM_001348040.3); c.1186+2T>A (NM_001348037.3, NM_001348045.3, NM_001348046.3); c.1417+2T>A (NM_001348042.3); and 1 more.
Identifiers: ClinVar variation 575385 (VCV000575385.2), dbSNP rs1563049863, ClinGen allele CA367256346.